The following is an entry in ClinVar:

NM_006279.5(ST3GAL3):c.607A>C (p.Thr203Pro)

Gene: ST3GAL3 (ST3 beta-galactoside alpha-2,3-sialyltransferase 3; plus strand). Cytogenetic location: 1p34.1.
Variant type: single nucleotide variant.
Coding change: c.607A>C on transcript NM_006279.5 (MANE Select); coding-DNA position 607, A replaced by C.
Protein change: p.Thr203Pro; replaces threonine 203 with proline.
Molecular consequence: missense variant. On other transcripts: non-coding transcript variant (5), intron variant (7).
Genome position (GRCh38, 1-based): chr1:43,899,590, A>C. VCF-style: chr1-43899590-A-C. GRCh37 (hg19) VCF-style: chr1-44365262-A-C.
Other names: c.607A>C, p.Thr203Pro (NM_001270459.2, NM_001350620.2, NM_174966.4); c.514A>C, p.Thr172Pro (NM_001270460.2); c.769A>C, p.Thr257Pro (NM_174968.5, NM_001363573.2); c.559A>C, p.Thr187Pro (NM_174969.4, NM_001270461.3); c.721A>C, p.Thr241Pro (NM_174971.5); c.442+5113A>C (NM_174965.4); c.*22+301A>C (NM_001270465.3); c.554+327A>C (NM_001270463.3); and 8 more; short protein forms T156P, T172P, T110P, T218P, T272P, T257P, T187P, T203P.
Identifiers: ClinVar variation 1481447 (VCV001481447.7), dbSNP rs1363218656, ClinGen allele CA340270241.
Genomic context (GRCh38, chr1:43,899,590, plus strand): 5'-GCTCTCTGTAGACTGAATTCAGCACCAGTGAAAGGCTTTGAGAAGGACGTGGGCAGCAAA[A>C]CGACACTGCGCATCACCTACCCCGAGGGCGCCATGCAGCGGCCTGAGCAGTACGAGCGCG-3'
Protein context (NP_006270.1, residues 193-213): KGFEKDVGSK[Thr203Pro]TLRITYPEGA

ClinVar aggregate classification (germline): Uncertain significance (1 of 4 stars; one submission).

Conditions:
Early-infantile DEE. Also called: Early infantile epileptic encephalopathy with suppression bursts; Early infantile epileptic encephalopathy; Ohtahara syndrome. Identifiers: Orphanet 1934, MedGen C0393706, MONDO:0800491.

Submission:

Labcorp Genetics (formerly Invitae), Labcorp
Classification: Uncertain significance for Early-infantile DEE. Last evaluated: 2021-08-07. Review status: criteria provided, single submitter. Criteria: Invitae Variant Classification Sherloc (09022015). Collection method: clinical testing. Allele origin: germline.
Comment: In summary, the available evidence is currently insufficient to determine the role of this variant in disease. Therefore, it has been classified as a Variant of Uncertain Significance. This sequence change replaces threonine with proline at codon 203 of the ST3GAL3 protein (p.Thr203Pro). The threonine residue is highly conserved and there is a small physicochemical difference between threonine and proline. This variant is not present in population databases (ExAC no frequency). This variant has not been reported in the literature in individuals affected with ST3GAL3-related conditions. Algorithms developed to predict the effect of missense changes on protein structure and function are either unavailable or do not agree on the potential impact of this missense change (SIFT: "Deleterious"; PolyPhen-2: "Probably Damaging"; Align-GVGD: "Class C0").